The following is an entry in ClinVar:

NM_000371.4(TTR):c.116C>A (p.Ala39Asp)

Gene: TTR (transthyretin; plus strand). Cytogenetic location: 18q12.1.
Variant type: single nucleotide variant.
Coding change: c.116C>A on transcript NM_000371.4 (MANE Select); coding-DNA position 116, C replaced by A.
Protein change: p.Ala39Asp; replaces alanine 39 with aspartic acid.
Molecular consequence: missense variant.
Genome position (GRCh38, 1-based): chr18:31,592,942, C>A. VCF-style: chr18-31592942-C-A. GRCh37 (hg19) VCF-style: chr18-29172905-C-A.
Other names: short protein forms A39D.
Identifiers: ClinVar variation 565560 (VCV000565560.15), dbSNP rs11541795, ClinGen allele CA402156622.

ClinVar aggregate classification (germline): Pathogenic/Likely pathogenic. Review status: criteria provided, multiple submitters, no conflicts (2 of 4 stars). 3 submissions from 3 submitters: Pathogenic (2); Likely pathogenic (1). Last evaluated 2025-12-29.

Conditions:
Cardiovascular phenotype. Identifiers: MedGen CN230736.
Amyloidosis, hereditary systemic 1 (AMYLD1). Also called: Hereditary oculoleptomeningeal amyloid angiopathy; Familial Transthyretin Amyloidosis; AMYLOID CARDIOMYOPATHY; Familial amyloid polyneuropathy; Transthyretin Amyloidosis; Hereditary Transthyretin Amyloidosis. Identifiers: Orphanet 85447, Orphanet 85451, MedGen C2751492, MONDO:0971004, OMIM 105210.

Submissions (3):

Ambry Genetics
Classification: Likely pathogenic for Cardiovascular phenotype. Last evaluated: 2025-12-29. Review status: criteria provided, single submitter. Criteria: Ambry Variant Classification Scheme 2023. Collection method: clinical testing. Allele origin: germline.
Comment: The p.A39D variant (also known as c.116C>A), located in coding exon 2 of the TTR gene, results from a C to A substitution at nucleotide position 116. The alanine at codon 39 is replaced by aspartic acid, an amino acid with dissimilar properties. This variant was reported in individual(s) with features consistent with hereditary transthyretin-related amyloidosis (Sch&ouml;nland SO et al. Blood, 2012 Jan;119:488-93; Ferreira P et al. PLoS ONE, 2013 Dec;8:e82484; Damy T et al. Eur Heart J, 2016 06;37:1826-34; Niemietz C et al. Amyloid, 2020 Mar;27:45-51; Nomura T et al. Orphanet J Rare Dis. 2025 Sep;20(1):474). Note, this variant is also referred to as A19D in the literature. In an assay testing TTR function, this variant showed a functionally abnormal result (Martins LDA et al. J Biol Chem. 2024 Aug;300(8):107495). This amino acid position is highly conserved in available vertebrate species. In addition, this alteration is predicted to be deleterious by in silico analysis. This variant is considered to be rare based on population cohorts in the Genome Aggregation Database (gnomAD). Based on the majority of available evidence to date, this variant is likely to be pathogenic.

Labcorp Genetics (formerly Invitae), Labcorp
Classification: Pathogenic for Amyloidosis, hereditary systemic 1. Last evaluated: 2022-07-01. Review status: criteria provided, single submitter. Criteria: Invitae Variant Classification Sherloc (09022015). Collection method: clinical testing. Allele origin: germline.
Comment: This variant is not present in population databases (gnomAD no frequency). For these reasons, this variant has been classified as Pathogenic. Advanced modeling of protein sequence and biophysical properties (such as structural, functional, and spatial information, amino acid conservation, physicochemical variation, residue mobility, and thermodynamic stability) performed at Invitae indicates that this missense variant is expected to disrupt TTR protein function. ClinVar contains an entry for this variant (Variation ID: 565560). This variant is also known as Ala19Asp. This missense change has been observed in individual(s) with hereditary transthyretin-mediated amyloidosis (hATTR amyloidosis) (PMID: 22106346, 24358189, 26537620, 28494620). This sequence change replaces alanine, which is neutral and non-polar, with aspartic acid, which is acidic and polar, at codon 39 of the TTR protein (p.Ala39Asp).

Mendelics
Classification: Pathogenic for Amyloidosis, hereditary systemic 1. Last evaluated: 2019-05-28. Review status: criteria provided, single submitter. Criteria: Mendelics Assertion Criteria 2017. Collection method: clinical testing. Allele origin: unknown.

Literature cited by the submitters: PubMed 22106346 (cited by Ambry Genetics and Labcorp Genetics (formerly Invitae), Labcorp); PubMed 24358189 (cited by Ambry Genetics and Labcorp Genetics (formerly Invitae), Labcorp); PubMed 26537620 (cited by Ambry Genetics and Labcorp Genetics (formerly Invitae), Labcorp); PubMed 31648569 (cited by Ambry Genetics); PubMed 38912115 (cited by Ambry Genetics); PubMed 38925327 (cited by Ambry Genetics); PubMed 39033298 (cited by Ambry Genetics); PubMed 40898332 (cited by Ambry Genetics); PubMed 28494620 (cited by Labcorp Genetics (formerly Invitae), Labcorp).